The following is an entry in ClinVar:

NM_004153.4(ORC1):c.2105A>G (p.Asp702Gly)

Gene: ORC1 (origin recognition complex subunit 1; minus strand). Cytogenetic location: 1p32.3.
Variant type: single nucleotide variant.
Coding change: c.2105A>G on transcript NM_004153.4 (MANE Select); coding-DNA position 2105, A replaced by G.
Protein change: p.Asp702Gly; replaces aspartic acid 702 with glycine.
Molecular consequence: missense variant.
Genome position (GRCh38, 1-based): chr1:52,381,670, T>C on the plus strand (A>G on the coding strand, the complement: ORC1 is on the minus strand). VCF-style: chr1-52381670-T-C. GRCh37 (hg19) VCF-style: chr1-52847342-T-C.
Other names: c.2105A>G (NM_004153.3); c.2105A>G, p.Asp702Gly (NM_001190818.2); c.2090A>G, p.Asp697Gly (NM_001190819.2); short protein forms D697G, D702G.
Identifiers: ClinVar variation 1513906 (VCV001513906.6), dbSNP rs184314414, ClinGen allele CA853125.

ClinVar aggregate classification (germline): Uncertain significance. Review status: criteria provided, multiple submitters, no conflicts (2 of 4 stars). 2 submissions from 2 submitters: Uncertain significance (2). Last evaluated 2025-08-10.

Conditions:
Inborn genetic diseases. Identifiers: MedGen C0950123, MeSH D030342.

Allele frequency attached by ClinVar (database versions not stated): gnomAD 0.00022 and 0.00023; TOPMed 0.00032; ESP Exome Variant Server 0.00038; 1000 Genomes Project 0.00080; 1000 Genomes Project 30x 0.00094; gnomAD exomes 0.00002 and 0.00009; ExAC 0.00009.
gnomAD v4.1: 76 of 1,613,158 alleles (0.0047%); highest among the groups gnomAD compares: African/African-American, 0.08%; no homozygotes.

Submissions (2):

Ambry Genetics
Classification: Uncertain significance for Inborn genetic diseases. Last evaluated: 2025-08-10. Review status: criteria provided, single submitter. Criteria: Ambry Variant Classification Scheme 2023. Collection method: clinical testing. Allele origin: germline.

Labcorp Genetics (formerly Invitae), Labcorp
Classification: Uncertain significance. Last evaluated: 2021-09-24. Review status: criteria provided, single submitter. Criteria: Invitae Variant Classification Sherloc (09022015). Collection method: clinical testing. Allele origin: germline.
Comment: This sequence change replaces aspartic acid with glycine at codon 702 of the ORC1 protein (p.Asp702Gly). The aspartic acid residue is moderately conserved and there is a moderate physicochemical difference between aspartic acid and glycine. This variant is present in population databases (rs184314414, ExAC 0.07%). This variant has not been reported in the literature in individuals with ORC1-related conditions. Algorithms developed to predict the effect of missense changes on protein structure and function output the following: SIFT: "Tolerated"; PolyPhen-2: "Benign"; Align-GVGD: "Class C0". The glycine amino acid residue is found in multiple mammalian species, suggesting that this missense change does not adversely affect protein function. These predictions have not been confirmed by published functional studies and their clinical significance is uncertain. Algorithms developed to predict the effect of sequence changes on RNA splicing suggest that this variant may create or strengthen a splice site, but this prediction has not been confirmed by published transcriptional studies. In summary, the available evidence is currently insufficient to determine the role of this variant in disease. Therefore, it has been classified as a Variant of Uncertain Significance.